The following is an entry in ClinVar:

ClinVar aggregate classification (germline): Uncertain significance (1 of 4 stars; one submission).

Submission:

Labcorp Genetics (formerly Invitae), Labcorp
Classification: Uncertain significance. Last evaluated: 2023-04-18. Review status: criteria provided, single submitter. Criteria: Invitae Variant Classification Sherloc (09022015). Collection method: clinical testing. Allele origin: germline.
Comment: In summary, the available evidence is currently insufficient to determine the role of this variant in disease. Therefore, it has been classified as a Variant of Uncertain Significance. Advanced modeling of protein sequence and biophysical properties (such as structural, functional, and spatial information, amino acid conservation, physicochemical variation, residue mobility, and thermodynamic stability) performed at Invitae indicates that this missense variant is not expected to disrupt POLE protein function. This variant has not been reported in the literature in individuals affected with POLE-related conditions. This variant is not present in population databases (gnomAD no frequency). This sequence change replaces serine, which is neutral and polar, with isoleucine, which is neutral and non-polar, at codon 1264 of the POLE protein (p.Ser1264Ile).

NM_006231.4(POLE):c.3791G>T (p.Ser1264Ile)

Gene: POLE (DNA polymerase epsilon, catalytic subunit; minus strand). Cytogenetic location: 12q24.33.
Variant type: single nucleotide variant.
Coding change: c.3791G>T on transcript NM_006231.4 (MANE Select); coding-DNA position 3791, G replaced by T.
Protein change: p.Ser1264Ile; replaces serine 1264 with isoleucine.
Molecular consequence: missense variant.
Genome position (GRCh38, 1-based): chr12:132,649,681, C>A on the plus strand (G>T on the coding strand, the complement: POLE is on the minus strand). VCF-style: chr12-132649681-C-A. GRCh37 (hg19) VCF-style: chr12-133226267-C-A.
Other names: short protein forms S1264I.
Identifiers: ClinVar variation 2857235 (VCV002857235.3), dbSNP rs2138612365, ClinGen allele CA387385899.